The following is an entry in ClinVar:

NM_004006.3(DMD):c.9287-2A>T

Gene: DMD (dystrophin; minus strand). Cytogenetic location: Xp21.2.
Variant type: single nucleotide variant.
Coding change: c.9287-2A>T on transcript NM_004006.3 (MANE Select); the canonical splice acceptor site of the intron before coding-DNA position 9287, A replaced by T.
Molecular consequence: splice acceptor variant.
Genome position (GRCh38, 1-based): chrX:31,223,123, T>A on the plus strand (A>T on the coding strand, the complement: DMD is on the minus strand). VCF-style: chrX-31223123-T-A. GRCh37 (hg19) VCF-style: chrX-31241240-T-A.
Other names: c.9263-2A>T (NM_000109.4); c.5264-2A>T (NM_004011.4); c.5255-2A>T (NM_004012.4); c.1907-2A>T (NM_004023.3, NM_004020.4, NM_004022.3 and 2 more transcripts); c.1100-2A>T (NM_004014.3); c.83-2A>T (NM_004018.3, NM_004017.3, NM_004016.3 and 2 more transcripts); c.9275-2A>T (NM_004009.3); c.8918-2A>T (NM_004010.3).
Identifiers: ClinVar variation 1420741 (VCV001420741.8), dbSNP rs2147071947, ClinGen allele CA412651041.

ClinVar aggregate classification (germline): Pathogenic (1 of 4 stars; one submission).

Conditions:
Duchenne muscular dystrophy (DMD). Also called: MUSCULAR DYSTROPHY, PSEUDOHYPERTROPHIC PROGRESSIVE, DUCHENNE TYPE; Duchenne Muscular Dystrophy (DMD). Identifiers: Orphanet 98896, MedGen C0013264, MONDO:0010679, OMIM 310200.

Submission:

Labcorp Genetics (formerly Invitae), Labcorp
Classification: Pathogenic for Duchenne muscular dystrophy. Last evaluated: 2020-11-06. Review status: criteria provided, single submitter. Criteria: Invitae Variant Classification Sherloc (09022015). Collection method: clinical testing. Allele origin: germline.
Comment: Disruption of this splice site has been observed in individual(s) with Duchenne muscular dystrophy (PMID: 17726484, 32194622, 25007885). Studies have shown that disruption of this splice site is associated with a partial deletion of exon 17, which introduces a frameshift (PMID: 25007885). The resulting mRNA is expected to undergo nonsense-mediated decay. For these reasons, this variant has been classified as Pathogenic. This variant is not present in population databases (ExAC no frequency). This sequence change affects an acceptor splice site in intron 63 of the DMD gene. It is expected to disrupt RNA splicing. Variants that disrupt the donor or acceptor splice site typically lead to a loss of protein function (PMID: 16199547), and loss-of-function variants in DMD are known to be pathogenic (PMID: 16770791, 25007885).

Literature cited by the submitters: PubMed 17726484; PubMed 32194622; PubMed 25007885; PubMed 16199547; PubMed 16770791.